The following is an entry in ClinVar:

ClinVar aggregate classification (germline): Conflicting classifications of pathogenicity. Review status: criteria provided, conflicting classifications (1 of 4 stars). 4 submissions from 4 submitters: Uncertain significance (3); Likely benign (1). Last evaluated 2025-11-26.

Conditions:
Autosomal recessive limb-girdle muscular dystrophy type 2J (LGMDR10). Also called: Limb-girdle muscular dystrophy, type 2J; MUSCULAR DYSTROPHY, LIMB-GIRDLE, AUTOSOMAL RECESSIVE 10. Identifiers: Orphanet 140922, MedGen C1837342, MONDO:0012127, OMIM 608807.
Dilated cardiomyopathy 1G (CMD1G). Identifiers: Orphanet 154, MedGen C1858763, MONDO:0011400, OMIM 604145.
TTN-related disorder. Also called: TTN-related condition; TTN-related disease; TTN-related disorders.
Myopathy, myofibrillar, 9, with early respiratory failure (MFM9). Also called: Hereditary myopathy with early respiratory failure; MYOPATHY, PROXIMAL, WITH EARLY RESPIRATORY MUSCLE INVOLVEMENT; EDSTROM MYOPATHY; Myopathy, distal, with early respiratory failure, autosomal dominant. Identifiers: Orphanet 178464, Orphanet 34521, MedGen C1863599, MONDO:0011362, OMIM 603689.

Allele frequency attached by ClinVar (database versions not stated): gnomAD exomes 0.00002 and 0.00004; TOPMed 0.00002; ExAC 0.00006.
gnomAD v4.1: 28 of 1,588,830 alleles (0.0018%); highest among the groups gnomAD compares: South Asian, 0.0023%; no homozygotes.

Submissions (4):

PreventionGenetics, part of Exact Sciences
Classification: Uncertain significance for TTN-related condition. Last evaluated: 2025-11-26. Review status: criteria provided, single submitter. Criteria: ACMG Guidelines, 2015. Collection method: clinical testing. Allele origin: germline.
Comment: The TTN c.47698G>A variant is predicted to result in the amino acid substitution p.Glu15900Lys. To our knowledge, this variant has not been reported in the literature. This variant is reported in 0.0082% of alleles in individuals of South Asian descent in gnomAD. At this time, the clinical significance of this variant is uncertain due to the absence of conclusive functional and genetic evidence.

GeneDx
Classification: Likely benign. Last evaluated: 2019-05-17. Review status: criteria provided, single submitter. Criteria: GeneDx Variant Classification Process June 2021. Collection method: clinical testing. Allele origin: germline. Affected: yes.
Comment: Missense variant in a gene in which most reported pathogenic variants are truncating/loss-of-function; In silico analysis, which includes splice predictors and evolutionary conservation, supports that this variant does not alter protein structure/function; Has not been previously published as pathogenic or benign to our knowledge

Baylor Genetics
Classification: Uncertain significance for Myopathy, myofibrillar, 9, with early respiratory failure. Last evaluated: 2018-05-03. Review status: criteria provided, single submitter. Criteria: ACMG Guidelines, 2015. Collection method: clinical testing. Allele origin: de novo. Affected: yes.
Comment: This variant was determined to be of uncertain significance according to ACMG Guidelines, 2015 [PMID:25741868].

Labcorp Genetics (formerly Invitae), Labcorp
Classification: Uncertain significance for Dilated cardiomyopathy 1G; Autosomal recessive limb-girdle muscular dystrophy type 2J. Last evaluated: 2017-10-30. Review status: criteria provided, single submitter. Criteria: Invitae Variant Classification Sherloc (09022015). Collection method: clinical testing. Allele origin: germline.

NM_001267550.2(TTN):c.47698G>A (p.Glu15900Lys)

Genes: TTN (titin; minus strand), TTN-AS1 (TTN antisense RNA 1; plus strand). Cytogenetic location: 2q31.2.
Variant type: single nucleotide variant.
Coding change: c.47698G>A on transcript NM_001267550.2 (MANE Select); coding-DNA position 47698, G replaced by A.
Protein change: p.Glu15900Lys; replaces glutamic acid 15900 with lysine.
Molecular consequence: missense variant.
Genome position (GRCh38, 1-based): chr2:178,617,387, C>T on the plus strand (G>A on the coding strand, the complement: TTN is on the minus strand). VCF-style: chr2-178617387-C-T. GRCh37 (hg19) VCF-style: chr2-179482114-C-T.
Other names: c.42775G>A, p.Glu14259Lys (NM_001256850.1); c.20503G>A, p.Glu6835Lys (NM_003319.4); c.39994G>A, p.Glu13332Lys (NM_133378.4); c.20878G>A, p.Glu6960Lys (NM_133432.3); c.21079G>A, p.Glu7027Lys (NM_133437.4); short protein forms E14259K, E15900K, E6835K, E13332K, E6960K, E7027K.
Identifiers: ClinVar variation 451886 (VCV000451886.7), dbSNP rs772625773, ClinGen allele CA1995003.